The following is an entry in ClinVar:

NM_001354435.2(C4orf54):c.4829G>A (p.Arg1610His)

Gene: C4orf54 (chromosome 4 open reading frame 54; minus strand). Cytogenetic location: 4q23.
Variant type: single nucleotide variant.
Coding change: c.4829G>A on transcript NM_001354435.2 (MANE Select); coding-DNA position 4829, G replaced by A.
Protein change: p.Arg1610His; replaces arginine 1610 with histidine.
Molecular consequence: missense variant.
Genome position (GRCh38, 1-based): chr4:99,649,820, C>T on the plus strand (G>A on the coding strand, the complement: C4orf54 is on the minus strand). VCF-style: chr4-99649820-C-T. GRCh37 (hg19) VCF-style: chr4-100570977-C-T.
Other names: short protein forms R1610H.
Identifiers: ClinVar variation 2654968 (VCV002654968.24), dbSNP rs192702357, ClinGen allele CA3022484.
Genomic context (GRCh38, chr4:99,649,820, plus strand): 5'-GGCTGTACTGGTGTGTCCACCAGATAGTACTGGCCTGTTGTCACATCCAGGAGCATCTTA[C>T]GCTGGGTCTGTTGAGGCTGTGCCTGCTGGAAGGGGTCTGTGGGGACGGGAGCTGAGGCTG-3'
Protein context (NP_001341364.1, residues 1600-1620): FQQAQPQQTQ[Arg1610His]KMLLDVTTGQ

ClinVar aggregate classification (germline): Benign (1 of 4 stars; one submission).

Allele frequency attached by ClinVar (database versions not stated): gnomAD exomes 0.00045; ExAC 0.00121; 1000 Genomes Project 0.00220; 1000 Genomes Project 30x 0.00234; gnomAD 0.00435; TOPMed 0.00553.

Submission:

CeGaT Center for Human Genetics Tuebingen
Classification: Benign. Last evaluated: 2023-02-01. Review status: criteria provided, single submitter. Criteria: CeGaT Center For Human Genetics Tuebingen Variant Classification Criteria Version 2. Collection method: clinical testing. Allele origin: germline. Affected: yes. Observed: 1 variant allele.
Comment: C4orf54: BP4, BS1, BS2